The following is an entry in ClinVar:

NM_014915.3(ANKRD26):c.3664A>T (p.Arg1222Ter)

Gene: ANKRD26 (ankyrin repeat domain containing 26; minus strand). Cytogenetic location: 10p12.1.
Variant type: single nucleotide variant.
Coding change: c.3664A>T on transcript NM_014915.3 (MANE Select); coding-DNA position 3664, A replaced by T.
Protein change: p.Arg1222Ter; replaces arginine 1222 with a stop codon.
Molecular consequence: nonsense.
Genome position (GRCh38, 1-based): chr10:27,033,368, T>A on the plus strand (A>T on the coding strand, the complement: ANKRD26 is on the minus strand). VCF-style: chr10-27033368-T-A. GRCh37 (hg19) VCF-style: chr10-27322297-T-A.
Other names: c.3661A>T, p.Arg1221Ter (NM_001256053.2); short protein forms R1221*, R1222*.
Identifiers: ClinVar variation 3902986 (VCV003902986.1).
Genomic context (GRCh38, chr10:27,033,368, plus strand): 5'-GTGAAGCCTCTGACATAGATTGTTTTTTTAGGGTATCAGCTAGTTCTTGTTGAAGTTGTC[T>A]CACAACAACCTGATAAGACATTTTGTTACTGATTTTATAAATCACCTTATTATTAAGTTA-3'

ClinVar aggregate classification (germline): Uncertain significance (1 of 4 stars; one submission).

Submission:

GeneDx
Classification: Uncertain significance. Last evaluated: 2024-12-11. Review status: criteria provided, single submitter. Criteria: GeneDx Variant Classification Process June 2021. Collection method: clinical testing. Allele origin: germline. Affected: yes.
Comment: Not observed at significant frequency in large population cohorts (gnomAD); Has not been previously published as pathogenic or benign to our knowledge; Nonsense variant predicted to result in protein truncation or nonsense mediated decay in a gene for which loss-of-function is not a known mechanism of disease